The following is an entry in ClinVar:

NM_015080.4(NRXN2):c.531C>T (p.Gly177=)

Gene: NRXN2 (neurexin 2; minus strand). Cytogenetic location: 11q13.1.
Variant type: single nucleotide variant.
Coding change: c.531C>T on transcript NM_015080.4 (MANE Select); coding-DNA position 531, C replaced by T.
Protein change: p.Gly177=; no amino-acid change (glycine 177 retained).
Molecular consequence: synonymous variant.
Genome position (GRCh38, 1-based): chr11:64,713,169, G>A on the plus strand (C>T on the coding strand, the complement: NRXN2 is on the minus strand). VCF-style: chr11-64713169-G-A. GRCh37 (hg19) VCF-style: chr11-64480641-G-A.
Other names: c.531C>T, p.Gly177= (NM_001376262.1, NM_001376263.1, NM_001376265.1 and 3 more transcripts).
Identifiers: ClinVar variation 129837 (VCV000129837.9), dbSNP rs2518907, ClinGen allele CA154162.

ClinVar aggregate classification (germline): Benign. Review status: criteria provided, multiple submitters, no conflicts (2 of 4 stars). 3 submissions from 3 submitters: Benign (2). 1 of the submissions does not count toward it. Last evaluated 2018-06-23.

Allele frequency attached by ClinVar (database versions not stated): 1000 Genomes Project 30x 0.52717; 1000 Genomes Project 0.53355; TOPMed 0.57779; gnomAD 0.58725; ESP Exome Variant Server 0.68440; gnomAD exomes 0.68762 and 0.72706; ExAC 0.72432.
gnomAD v4.1: 1,039,507 of 1,459,730 alleles (71%); highest among the groups gnomAD compares: Middle Eastern, 78%; 379,026 homozygotes.

Submissions (3):

GeneDx
Classification: Benign. Last evaluated: 2018-06-23. Review status: criteria provided, single submitter. Criteria: GeneDx Variant Classification Process June 2021. Collection method: clinical testing. Allele origin: germline. Affected: yes.

Breakthrough Genomics
Classification: Benign. Review status: criteria provided, single submitter. Criteria: ACMG Guidelines, 2015. Collection method: not provided. Allele origin: germline. Inheritance: Unknown mechanism. Affected: yes.

Genetic Services Laboratory, University of Chicago
Classification: Likely benign for AllHighlyPenetrant. Review status: no assertion criteria provided. Collection method: clinical testing. Allele origin: germline. Inheritance: Autosomal dominant inheritance. Not counted in ClinVar's aggregate classification.
Comment: Likely benign based on allele frequency in 1000 Genomes Project or ESP global frequency and its presence in a patient with a rare or unrelated disease phenotype. NOT Sanger confirmed.